The following is an entry in ClinVar:

NM_002529.4(NTRK1):c.717+2T>C

Gene: NTRK1 (neurotrophic receptor tyrosine kinase 1; plus strand). Cytogenetic location: 1q23.1.
Variant type: single nucleotide variant.
Coding change: c.717+2T>C on transcript NM_002529.4 (MANE Select); the canonical splice donor site of the intron after coding-DNA position 717, T replaced by C.
Molecular consequence: splice donor variant.
Genome position (GRCh38, 1-based): chr1:156,868,649, T>C. VCF-style: chr1-156868649-T-C. GRCh37 (hg19) VCF-style: chr1-156838441-T-C.
Other names: c.627+2T>C (NM_001007792.1); c.717+2T>C (NM_001012331.2).
Identifiers: ClinVar variation 4814522 (VCV004814522.2).

ClinVar aggregate classification (germline): Pathogenic (1 of 4 stars; one submission).

Conditions:
Hereditary insensitivity to pain with anhidrosis (CIPA). Also called: NTRK1 Congenital Insensitivity to Pain with Anhidrosis; INSENSITIVITY TO PAIN, CONGENITAL, WITH ANHIDROSIS; FAMILIAL DYSAUTONOMIA, TYPE II; NEUROPATHY, CONGENITAL SENSORY, WITH ANHIDROSIS; HSAN Type IV; hereditary sensory and autonomic neuropathy type 4. Identifiers: Orphanet 642, MedGen C0020074, MONDO:0009746, OMIM 256800.

Submission:

Natera, Inc.
Classification: Pathogenic for Hereditary insensitivity to pain with anhidrosis. Last evaluated: 2024-10-25. Review status: criteria provided, single submitter. Criteria: Natera Variant Classification Schema (03/2026). Collection method: clinical testing. Allele origin: germline.
Comment: The c.717+2T>C variant in NTRK1 is a canonical splice donor site variant predicted to affect pre-mRNA splicing, which may result in an abnormal transcript and altered protein product. This variant is expected to result in nonsense mediated decay, truncation, or a dysfunctional protein product. This variant is rare in the general population with a frequency below the threshold expected for the associated phenotype(s). This variant has been observed in one or more individuals affected with the associated recessive disease, as either homozygous or compound heterozygous with a second variant (PMID: 34674383). Given the available evidence, this variant is classified as Pathogenic.

Literature cited by the submitters: PubMed 34674383.